The following is an entry in ClinVar:

NM_052947.4(ALPK2):c.5876C>A (p.Ala1959Asp)

Gene: ALPK2 (alpha kinase 2; minus strand). Cytogenetic location: 18q21.31.
Variant type: single nucleotide variant.
Coding change: c.5876C>A on transcript NM_052947.4 (MANE Select); coding-DNA position 5876, C replaced by A.
Protein change: p.Ala1959Asp; replaces alanine 1959 with aspartic acid.
Molecular consequence: missense variant.
Genome position (GRCh38, 1-based): chr18:58,516,972, G>T on the plus strand (C>A on the coding strand, the complement: ALPK2 is on the minus strand). VCF-style: chr18-58516972-G-T. GRCh37 (hg19) VCF-style: chr18-56184204-G-T.
Other names: short protein forms A1959D.
Identifiers: ClinVar variation 3531227 (VCV003531227.1).
Genomic context (GRCh38, chr18:58,516,972, plus strand): 5'-GCAGCGAGTTTGTAGTTCCTTTGGATGAGCTCATCATTATTTCTGGTCCCATAGGCAATG[G>T]CATTGTGCACCTTAAGCACACAGGCATGGCCAGGTTTGAAGACAGGCATGAGGCCGTGCA-3'
Protein context (NP_443179.3, residues 1949-1969): GHACVLKVHN[Ala1959Asp]IAYGTRNNDE

ClinVar aggregate classification (germline): Uncertain significance (1 of 4 stars; one submission).

gnomAD v4.1: 2 of 1,614,168 alleles (0.00012%); no homozygotes.

Submission:

Ambry Genetics
Classification: Uncertain significance. Last evaluated: 2024-08-19. Review status: criteria provided, single submitter. Criteria: Ambry Variant Classification Scheme 2023. Collection method: clinical testing. Allele origin: germline.
Comment: The p.A1959D variant (also known as c.5876C>A), located in coding exon 8 of the ALPK2 gene, results from a C to A substitution at nucleotide position 5876. The alanine at codon 1959 is replaced by aspartic acid, an amino acid with dissimilar properties. This amino acid position is conserved. In addition, this alteration is predicted to be tolerated by in silico analysis. Based on the available evidence, the clinical significance of this variant remains unclear.